The following is an entry in ClinVar:

ClinVar aggregate classification (germline): Likely benign. Review status: criteria provided, multiple submitters, no conflicts (2 of 4 stars). 4 submissions from 4 submitters: Likely benign (4). Last evaluated 2026-01-11.

Conditions:
Catecholaminergic polymorphic ventricular tachycardia 1. Also called: VENTRICULAR TACHYCARDIA, STRESS-INDUCED POLYMORPHIC 1; VENTRICULAR TACHYCARDIA, CATECHOLAMINERGIC POLYMORPHIC, 1, WITH OR WITHOUT ATRIAL DYSFUNCTION AND/OR DILATED CARDIOMYOPATHY; RYR2-Related Catecholaminergic Polymorphic Ventricular Tachycardia. Identifiers: Orphanet 3286, MedGen C1631597, MONDO:0011484, OMIM 604772.
Cardiovascular phenotype. Identifiers: MedGen CN230736.
Catecholaminergic polymorphic ventricular tachycardia (CVPT). Also called: Catecholamine-induced polymorphic ventricular tachycardia. Identifiers: Orphanet 3286, MedGen C5574922, MONDO:0017990.
Cardiomyopathy (CMYO). Also called: Cardiomyopathies. Identifiers: Orphanet 167848, MedGen C0878544, MONDO:0004994, HP:0001638. Inheritance: Various modes of inheritance.

Allele frequency attached by ClinVar (database versions not stated): gnomAD exomes below 0.00001; ExAC 0.00001; gnomAD 0.00004; TOPMed 0.00004; ESP Exome Variant Server 0.00008.
gnomAD v4.1: 9 of 1,613,486 alleles (0.00056%); highest among the groups gnomAD compares: African/African-American, 0.0094%; no homozygotes.

Submissions (4):

Labcorp Genetics (formerly Invitae), Labcorp
Classification: Likely benign for Catecholaminergic polymorphic ventricular tachycardia 1. Last evaluated: 2026-01-11. Review status: criteria provided, single submitter. Criteria: Invitae Variant Classification Sherloc (09022015). Collection method: clinical testing. Allele origin: germline.

All of Us Research Program, National Institutes of Health
Classification: Likely benign for Catecholaminergic polymorphic ventricular tachycardia. Last evaluated: 2023-12-13. Review status: criteria provided, single submitter. Criteria: ACMG Guidelines, 2015. Collection method: clinical testing. Allele origin: germline. Inheritance: Autosomal dominant inheritance. Observed: 3 variant alleles, 3 heterozygotes.
Comment: This study involves interpretation of variants in research participants for the purpose of population health screening. Participant phenotype was not available at the time of variant classification. Additional details can be found in publication PMID: 35346344, PMCID: PMC8962531

Ambry Genetics
Classification: Likely benign for Cardiovascular phenotype. Last evaluated: 2018-12-18. Review status: criteria provided, single submitter. Criteria: Ambry Variant Classification Scheme 2023. Collection method: clinical testing. Allele origin: germline.

Color Diagnostics, LLC DBA Color Health
Classification: Likely benign for Cardiomyopathy. Last evaluated: 2018-12-10. Review status: criteria provided, single submitter. Criteria: ACMG Guidelines, 2015. Collection method: clinical testing. Allele origin: germline.

NM_001035.3(RYR2):c.9783C>T (p.Ala3261=)

Gene: RYR2 (ryanodine receptor 2; plus strand). Cytogenetic location: 1q43.
Variant type: single nucleotide variant.
Coding change: c.9783C>T on transcript NM_001035.3 (MANE Select); coding-DNA position 9783, C replaced by T.
Protein change: p.Ala3261=; no amino-acid change (alanine 3261 retained).
Molecular consequence: synonymous variant.
Genome position (GRCh38, 1-based): chr1:237,707,151, C>T. VCF-style: chr1-237707151-C-T. GRCh37 (hg19) VCF-style: chr1-237870451-C-T.
Identifiers: ClinVar variation 761901 (VCV000761901.17), dbSNP rs370556829, ClinGen allele CA087959.